The following is an entry in ClinVar:

ClinVar aggregate classification (germline): Uncertain significance (1 of 4 stars; one submission).

Conditions:
Hereditary cancer-predisposing syndrome. Also called: Neoplastic Syndromes, Hereditary; Tumor predisposition; Hereditary neoplastic syndrome; Hereditary Cancer Syndrome. Identifiers: Orphanet 140162, MedGen C0027672, MeSH D009386, MONDO:0015356.

Submission:

Ambry Genetics
Classification: Uncertain significance for Hereditary cancer-predisposing syndrome. Last evaluated: 2026-07-06. Review status: criteria provided, single submitter. Criteria: Ambry Variant Classification Scheme 2023. Collection method: clinical testing. Allele origin: germline.
Comment: The p.D653N variant (also known as c.1957G>A), located in coding exon 15 of the SDHA gene, results from a G to A substitution at nucleotide position 1957. The aspartic acid at codon 653 is replaced by asparagine, an amino acid with highly similar properties. This amino acid position is conserved. In addition, this alteration is predicted to be tolerated by in silico analysis. Based on the available evidence, the clinical significance of this variant remains unclear.

NM_004168.4(SDHA):c.1957G>A (p.Asp653Asn)

Gene: SDHA (succinate dehydrogenase complex flavoprotein subunit A; plus strand). Cytogenetic location: 5p15.33.
Variant type: single nucleotide variant.
Coding change: c.1957G>A on transcript NM_004168.4 (MANE Select); coding-DNA position 1957, G replaced by A.
Protein change: p.Asp653Asn; replaces aspartic acid 653 with asparagine.
Molecular consequence: missense variant.
Genome position (GRCh38, 1-based): chr5:256,382, G>A. VCF-style: chr5-256382-G-A. GRCh37 (hg19) VCF-style: chr5-256497-G-A.
Other names: c.1813G>A, p.Asp605Asn (NM_001294332.2); c.1714G>A, p.Asp572Asn (NM_001330758.2); short protein forms D605N, D572N, D653N.
Identifiers: ClinVar variation 5029188 (VCV005029188.1).
Genomic context (GRCh38, chr5:256,382, plus strand): 5'-CTTCTTTTCAAGGTCACTCTGGAATATAGACCCGTGATCGACAAAACTTTGAACGAGGCT[G>A]ACTGTGCCACCGTCCCGCCAGCCATTCGCTCCTACTGATGAGACAAGATGTGGTGATGAC-3'
Protein context (NP_004159.2, residues 643-663): PVIDKTLNEA[Asp653Asn]CATVPPAIRS